The following is an entry in ClinVar:

ClinVar aggregate classification (germline): Uncertain significance (1 of 4 stars; one submission).

Conditions:
HNF1B-related disorder. Also called: HNF1B-related condition; HNF1B-related disorders.

Submission:

PreventionGenetics, part of Exact Sciences
Classification: Uncertain significance for HNF1B-related condition. Last evaluated: 2025-12-21. Review status: criteria provided, single submitter. Criteria: ACMG Guidelines, 2015. Collection method: clinical testing. Allele origin: germline.
Comment: The HNF1B c.605T>A variant is predicted to result in the amino acid substitution p.Leu202Gln. To our knowledge, this variant has not been reported in the literature or in a large population database (gnomAD), indicating this variant is rare. At this time, the clinical significance of this variant is uncertain due to the absence of conclusive functional and genetic evidence.

NM_000458.4(HNF1B):c.605T>A (p.Leu202Gln)

Genes: HNF1B (HNF1 homeobox B; minus strand), LOC126862549 (BRD4-independent group 4 enhancer GRCh37_chr17:36093401-36094600; plus strand). Cytogenetic location: 17q12.
Variant type: single nucleotide variant.
Coding change: c.605T>A on transcript NM_000458.4 (MANE Select); coding-DNA position 605, T replaced by A.
Protein change: p.Leu202Gln; replaces leucine 202 with glutamine.
Molecular consequence: missense variant. On other transcripts: intron variant (2).
Genome position (GRCh38, 1-based): chr17:37,733,761, A>T on the plus strand (T>A on the coding strand, the complement: HNF1B is on the minus strand). VCF-style: chr17-37733761-A-T. GRCh37 (hg19) VCF-style: chr17-36093754-A-T.
Other names: c.605T>A, p.Leu202Gln (NM_001411100.1); c.545-18T>A (NM_001304286.2, NM_001165923.4); short protein forms L202Q.
Identifiers: ClinVar variation 4996698 (VCV004996698.1).